The following is an entry in ClinVar:

ClinVar aggregate classification (germline): Uncertain significance (1 of 4 stars; one submission).

Conditions:
Nemaline myopathy 2 (NEM2). Also called: Nemaline myopathy 2, autosomal recessive. Identifiers: MedGen C1850569, MONDO:0009725, OMIM 256030.

Allele frequency attached by ClinVar (database versions not stated): gnomAD exomes 0.00001.
gnomAD v4.1: 15 of 1,610,918 alleles (0.00093%); highest among the groups gnomAD compares: Non-Finnish European, 0.0013%; no homozygotes.

Submission:

Labcorp Genetics (formerly Invitae), Labcorp
Classification: Uncertain significance for Nemaline myopathy 2. Last evaluated: 2024-02-29. Review status: criteria provided, single submitter. Criteria: Invitae Variant Classification Sherloc (09022015). Collection method: clinical testing. Allele origin: germline.
Comment: This sequence change replaces glutamine, which is neutral and polar, with lysine, which is basic and polar, at codon 2310 of the NEB protein (p.Gln2310Lys). This variant is not present in population databases (gnomAD no frequency). This variant has not been reported in the literature in individuals affected with NEB-related conditions. Experimental studies and prediction algorithms are not available or were not evaluated, and the functional significance of this variant is currently unknown. In summary, the available evidence is currently insufficient to determine the role of this variant in disease. Therefore, it has been classified as a Variant of Uncertain Significance.

NM_001164508.2(NEB):c.6928C>A (p.Gln2310Lys)

Gene: NEB (nebulin; minus strand). Cytogenetic location: 2q23.3.
Variant type: single nucleotide variant.
Coding change: c.6928C>A on transcript NM_001164508.2 (MANE Select); coding-DNA position 6928, C replaced by A.
Protein change: p.Gln2310Lys; replaces glutamine 2310 with lysine.
Molecular consequence: missense variant.
Genome position (GRCh38, 1-based): chr2:151,650,873, G>T on the plus strand (C>A on the coding strand, the complement: NEB is on the minus strand). VCF-style: chr2-151650873-G-T. GRCh37 (hg19) VCF-style: chr2-152507387-G-T.
Other names: c.6928C>A, p.Gln2310Lys (NM_001164507.2, NM_001271208.2, NM_004543.5); short protein forms Q2310K.
Identifiers: ClinVar variation 2993105 (VCV002993105.3), dbSNP rs2099021594, ClinGen allele CA348791530.
Genomic context (GRCh38, chr2:151,650,873, plus strand): 5'-TTGGGTCATCTTGCAGACTCCGGAATCCAACATGGTGGCCAAGTTGCTTTCGGTAGCCTT[G>T]TTTGTATTTATACTGAAATCAGAGAAAACACAGCTCTTTTAGTACACAAAGGCCAAGTTA-3'
Protein context (NP_001157980.2, residues 2300-2320): RDIASDYKYK[Gln2310Lys]GYRKQLGHHV